The following is an entry in ClinVar:

NM_006059.4(LAMC3):c.2891-2_2891-1insAACCCAGCACGCACTGCCCCTGGTCCCTCTA

Gene: LAMC3 (laminin subunit gamma 3; plus strand). Cytogenetic location: 9q34.12.
Variant type: Insertion.
Coding change: c.2891-2_2891-1insAACCCAGCACGCACTGCCCCTGGTCCCTCTA on transcript NM_006059.4 (MANE Select); the canonical splice acceptor site of the intron before coding-DNA position 2891, AACCCAGCACGCACTGCCCCTGGTCCCTCTA inserted.
Molecular consequence: splice acceptor variant.
Genome position: GRCh38: chr9:131,069,670-131,069,671. GRCh37 (hg19): chr9:133,945,057-133,945,058.
Identifiers: ClinVar variation 2098541 (VCV002098541.3), dbSNP rs2538303839, ClinGen allele CA2580079843.

ClinVar aggregate classification (germline): Uncertain significance (1 of 4 stars; one submission).

Submission:

Labcorp Genetics (formerly Invitae), Labcorp
Classification: Uncertain significance. Last evaluated: 2025-05-22. Review status: criteria provided, single submitter. Criteria: Invitae Variant Classification Sherloc (09022015). Collection method: clinical testing. Allele origin: germline.
Comment: This sequence change falls in intron 16 of the LAMC3 gene. It does not directly change the encoded amino acid sequence of the LAMC3 protein. This variant is not present in population databases (gnomAD no frequency). This variant has not been reported in the literature in individuals affected with LAMC3-related conditions. ClinVar contains an entry for this variant (Variation ID: 2098541). Experimental studies and prediction algorithms are not available or were not evaluated, and the effect of this variant on mRNA splicing is currently unknown. In summary, the available evidence is currently insufficient to determine the role of this variant in disease. Therefore, it has been classified as a Variant of Uncertain Significance.